The following is an entry in ClinVar:

NM_000321.3(RB1):c.2364C>G (p.Ser788Arg)

Gene: RB1 (RB transcriptional corepressor 1; plus strand). Cytogenetic location: 13q14.2.
Variant type: single nucleotide variant.
Coding change: c.2364C>G on transcript NM_000321.3 (MANE Select); coding-DNA position 2364, C replaced by G.
Protein change: p.Ser788Arg; replaces serine 788 with arginine.
Molecular consequence: missense variant.
Genome position (GRCh38, 1-based): chr13:48,465,243, C>G. VCF-style: chr13-48465243-C-G. GRCh37 (hg19) VCF-style: chr13-49039379-C-G.
Other names: c.2364C>G, p.Ser788Arg (NM_001407165.1); short protein forms S788R.
Identifiers: ClinVar variation 2010746 (VCV002010746.4), dbSNP rs2138345627, ClinGen allele CA388167825.

ClinVar aggregate classification (germline): Uncertain significance (1 of 4 stars; one submission).

Conditions:
Retinoblastoma (RB1). Also called: RETINOBLASTOMA, SOMATIC. Identifiers: Orphanet 790, MedGen C0035335, MeSH D012175, MONDO:0008380, OMIM 180200, HP:0009919. Disease mechanism: loss of function. Inheritance: Both sporadic and heritable forms are tested..

Submission:

Labcorp Genetics (formerly Invitae), Labcorp
Classification: Uncertain significance for Retinoblastoma. Last evaluated: 2022-06-26. Review status: criteria provided, single submitter. Criteria: Invitae Variant Classification Sherloc (09022015). Collection method: clinical testing. Allele origin: germline.
Comment: In summary, the available evidence is currently insufficient to determine the role of this variant in disease. Therefore, it has been classified as a Variant of Uncertain Significance. Algorithms developed to predict the effect of missense changes on protein structure and function (SIFT, PolyPhen-2, Align-GVGD) all suggest that this variant is likely to be disruptive. This variant has not been reported in the literature in individuals affected with RB1-related conditions. This variant is not present in population databases (gnomAD no frequency). This sequence change replaces serine, which is neutral and polar, with arginine, which is basic and polar, at codon 788 of the RB1 protein (p.Ser788Arg).